The following is an entry in ClinVar:

ClinVar aggregate classification (germline): Uncertain significance (1 of 4 stars; one submission).

Allele frequency attached by ClinVar (database versions not stated): gnomAD 0.00001; ESP Exome Variant Server 0.00019; gnomAD exomes below 0.00001; TOPMed below 0.00001; ExAC 0.00001.

Submission:

Labcorp Genetics (formerly Invitae), Labcorp
Classification: Uncertain significance. Last evaluated: 2022-07-07. Review status: criteria provided, single submitter. Criteria: Invitae Variant Classification Sherloc (09022015). Collection method: clinical testing. Allele origin: germline.
Comment: This sequence change replaces proline, which is neutral and non-polar, with serine, which is neutral and polar, at codon 199 of the AVPR2 protein (p.Pro199Ser). This variant is present in population databases (rs372260195, gnomAD 0.001%). This variant has not been reported in the literature in individuals affected with AVPR2-related conditions. Advanced modeling of protein sequence and biophysical properties (such as structural, functional, and spatial information, amino acid conservation, physicochemical variation, residue mobility, and thermodynamic stability) performed at Invitae indicates that this missense variant is not expected to disrupt AVPR2 protein function. In summary, the available evidence is currently insufficient to determine the role of this variant in disease. Therefore, it has been classified as a Variant of Uncertain Significance.

NM_000054.7(AVPR2):c.595C>T (p.Pro199Ser)

Gene: AVPR2 (arginine vasopressin receptor 2; plus strand). Cytogenetic location: Xq28.
Variant type: single nucleotide variant.
Coding change: c.595C>T on transcript NM_000054.7 (MANE Select); coding-DNA position 595, C replaced by T.
Protein change: p.Pro199Ser; replaces proline 199 with serine.
Molecular consequence: missense variant. On other transcripts: non-coding transcript variant (1).
Genome position (GRCh38, 1-based): chrX:153,906,101, C>T. VCF-style: chrX-153906101-C-T. GRCh37 (hg19) VCF-style: chrX-153171555-C-T.
Other names: c.595C>T, p.Pro199Ser (NM_001146151.3); short protein forms P199S.
Identifiers: ClinVar variation 1951648 (VCV001951648.2), dbSNP rs372260195, ClinGen allele CA10555033.
Genomic context (GRCh38, chrX:153,906,101, plus strand): 5'-GCCCAGCGCAACGTGGAAGGTGGCAGCGGGGTCACTGACTGCTGGGCCTGCTTTGCGGAG[C>T]CCTGGGGCCGTCGCACCTATGTCACCTGGATTGCCCTGATGGTGTTCGTGGCACCTACCC-3'
Protein context (NP_000045.1, residues 189-209): VTDCWACFAE[Pro199Ser]WGRRTYVTWI